The following is an entry in ClinVar:

NM_000744.7(CHRNA4):c.384-208G>A

Gene: CHRNA4 (cholinergic receptor nicotinic alpha 4 subunit; minus strand). Cytogenetic location: 20q13.33.
Variant type: single nucleotide variant.
Coding change: c.384-208G>A on transcript NM_000744.7 (MANE Select); 208 bases into the intron before coding-DNA position 384, G replaced by A.
Molecular consequence: intron variant.
Genome position (GRCh38, 1-based): chr20:63,351,235, C>T on the plus strand (G>A on the coding strand, the complement: CHRNA4 is on the minus strand). VCF-style: chr20-63351235-C-T. GRCh37 (hg19) VCF-style: chr20-61982587-C-T.
Other names: c.-145-208G>A (NM_001256573.2).
Identifiers: ClinVar variation 679899 (VCV000679899.1), dbSNP rs8124042, ClinGen allele CA317437036.

ClinVar aggregate classification (germline): Likely benign (1 of 4 stars; one submission).

Allele frequency attached by ClinVar (database versions not stated): gnomAD exomes 0.00577; gnomAD 0.01455; 1000 Genomes Project 0.85503.

Submission:

GeneDx
Classification: Likely benign. Last evaluated: 2018-06-14. Review status: criteria provided, single submitter. Criteria: GeneDx Variant Classification (06012015). Collection method: clinical testing. Allele origin: germline. Affected: yes.
Comment: This variant is considered likely benign or benign based on one or more of the following criteria: it is a conservative change, it occurs at a poorly conserved position in the protein, it is predicted to be benign by multiple in silico algorithms, and/or has population frequency not consistent with disease.